The following is an entry in ClinVar:

ClinVar aggregate classification (germline): Uncertain significance. Review status: criteria provided, multiple submitters, no conflicts (2 of 4 stars). 3 submissions from 3 submitters: Uncertain significance (3). Last evaluated 2024-02-24.

Conditions:
Inborn genetic diseases. Identifiers: MedGen C0950123, MeSH D030342.
Cranioectodermal dysplasia 2 (CED2). Identifiers: Orphanet 1515, MedGen C3150874, MONDO:0013323, OMIM 613610.
Short-rib thoracic dysplasia 7 with or without polydactyly (SRTD7). Also called: SHORT-RIB THORACIC DYSPLASIA 7 WITH POLYDACTYLY; Short rib polydactyly syndrome 5. Identifiers: Orphanet 498497, Orphanet 93271, MedGen C3279792, MONDO:0013569, OMIM 614091.

Allele frequency attached by ClinVar (database versions not stated): gnomAD 0.00001; gnomAD exomes 0.00001 and 0.00007; TOPMed 0.00004; ExAC 0.00005.
gnomAD v4.1: 18 of 1,613,926 alleles (0.0011%); highest among the groups gnomAD compares: East Asian, 0.027%; no homozygotes.

Submissions (3):

Labcorp Genetics (formerly Invitae), Labcorp
Classification: Uncertain significance for Cranioectodermal dysplasia 2; Short-rib thoracic dysplasia 7 with or without polydactyly. Last evaluated: 2024-02-24. Review status: criteria provided, single submitter. Criteria: Invitae Variant Classification Sherloc (09022015). Collection method: clinical testing. Allele origin: germline.
Comment: This sequence change replaces tyrosine, which is neutral and polar, with histidine, which is basic and polar, at codon 4 of the WDR35 protein (p.Tyr4His). This variant is present in population databases (rs772365561, gnomAD 0.1%). This variant has not been reported in the literature in individuals affected with WDR35-related conditions. ClinVar contains an entry for this variant (Variation ID: 643121). Advanced modeling of protein sequence and biophysical properties (such as structural, functional, and spatial information, amino acid conservation, physicochemical variation, residue mobility, and thermodynamic stability) performed at Invitae indicates that this missense variant is expected to disrupt WDR35 protein function with a positive predictive value of 80%. In summary, the available evidence is currently insufficient to determine the role of this variant in disease. Therefore, it has been classified as a Variant of Uncertain Significance.

Fulgent Genetics
Classification: Uncertain significance for Cranioectodermal dysplasia 2; Short-rib thoracic dysplasia 7 with or without polydactyly. Last evaluated: 2024-01-30. Review status: criteria provided, single submitter. Criteria: ACMG Guidelines, 2015. Collection method: clinical testing. Allele origin: germline.

Ambry Genetics
Classification: Uncertain significance for Inborn genetic diseases. Last evaluated: 2023-09-13. Review status: criteria provided, single submitter. Criteria: Ambry Variant Classification Scheme 2023. Collection method: clinical testing. Allele origin: germline.

NM_020779.4(WDR35):c.10T>C (p.Tyr4His)

Gene: WDR35 (WD repeat domain 35; minus strand). Cytogenetic location: 2p24.1.
Variant type: single nucleotide variant.
Coding change: c.10T>C on transcript NM_020779.4 (MANE Select); coding-DNA position 10, T replaced by C.
Protein change: p.Tyr4His; replaces tyrosine 4 with histidine.
Molecular consequence: missense variant.
Genome position (GRCh38, 1-based): chr2:19,990,006, A>G on the plus strand (T>C on the coding strand, the complement: WDR35 is on the minus strand). VCF-style: chr2-19990006-A-G. GRCh37 (hg19) VCF-style: chr2-20189767-A-G.
Other names: c.10T>C, p.Tyr4His (NM_001006657.2); short protein forms Y4H.
Identifiers: ClinVar variation 643121 (VCV000643121.9), dbSNP rs772365561, ClinGen allele CA1543677.
Genomic context (GRCh38, chr2:19,990,006, plus strand): 5'-GCTGCGGGAATGGCGGAGAAACGAGGACGCCCCCCAGGAAACTCACTTTCTTGCTCAGGT[A>G]GAAGAACATCGTGGGATCCCCGAGAGGGTCACGGCGGCCGCTAAGGCCCTCGACAAGTAA-3'
Protein context (NP_065830.2, residues 1-14): MFF[Tyr4His]LSKKISIPNN